The following is an entry in ClinVar:

NM_001365276.2(TNXB):c.287T>A (p.Leu96His)

Gene: TNXB (tenascin XB; minus strand). Cytogenetic location: 6p21.33.
Variant type: single nucleotide variant.
Coding change: c.287T>A on transcript NM_001365276.2 (MANE Select); coding-DNA position 287, T replaced by A.
Protein change: p.Leu96His; replaces leucine 96 with histidine.
Molecular consequence: missense variant.
Genome position (GRCh38, 1-based): chr6:32,097,912, A>T on the plus strand (T>A on the coding strand, the complement: TNXB is on the minus strand). VCF-style: chr6-32097912-A-T. GRCh37 (hg19) VCF-style: chr6-32065689-A-T.
Other names: c.287T>A, p.Leu96His (NM_019105.8); short protein forms L96H.
Identifiers: ClinVar variation 992504 (VCV000992504.3), dbSNP rs1780503217, ClinGen allele CA363491935.
Genomic context (GRCh38, chr6:32,097,912, plus strand): 5'-CCCTTCACCAACTCCTCCAGGATCTCTAGACGGACCCTCAGGGCCTGTACCTCTGAAGCA[A>T]GGACTGGGGGCTCGGTGCCTGGGGGACAGCCACAGCCAGTGGAAGGGGGCAGGTTAATGC-3'
Protein context (NP_001352205.1, residues 86-106): GCPPGTEPPV[Leu96His]ASEVQALRVR

ClinVar aggregate classification (germline): Uncertain significance (1 of 4 stars; one submission).

Conditions:
Ehlers-Danlos syndrome due to tenascin-X deficiency (EDSCLL1). Also called: EDS DUE TO TNX DEFICIENCY; EHLERS-DANLOS SYNDROME, CLASSIC-LIKE; Ehlers-Danlos syndrome, classic-like, 1; TNXB-Related Classical-Like Ehlers-Danlos Syndrome; TNX DEFICIENCY. Identifiers: Orphanet 230839, MedGen C1848029, MONDO:0011670, OMIM 606408.
Vesicoureteral reflux 8 (VUR8). Identifiers: Orphanet 289365, MedGen C4014831, MONDO:0014422, OMIM 615963.

Allele frequency attached by ClinVar (database versions not stated): gnomAD exomes below 0.00001; TOPMed below 0.00001.
gnomAD v4.1: 1 of 1,587,856 alleles (0.000063%); highest among the groups gnomAD compares: Non-Finnish European, 0.000086%; no homozygotes.

Submission:

Center for Genomics, Ann and Robert H. Lurie Children's Hospital of Chicago
Classification: Uncertain significance for Ehlers-Danlos syndrome due to tenascin-X deficiency; Vesicoureteral reflux 8. Review status: criteria provided, single submitter. Criteria: ACMG Guidelines, 2015. Collection method: clinical testing. Allele origin: germline.
Comment: TNXB NM_019105.6 exon 2 p.Leu96His (c.287T>A): This variant has not been reported in the literature and is not present in large control databases. Evolutionary conservation and computational predictive tools suggest that this variant may not impact the protein. In summary, data on this variant is insufficient for disease classification. Therefore, the clinical significance of this variant is uncertain